The following is an entry in ClinVar:

NM_007137.5(ZNF81):c.461C>T (p.Thr154Ile)

Gene: ZNF81 (zinc finger protein 81; plus strand). Cytogenetic location: Xp11.23.
Variant type: single nucleotide variant.
Coding change: c.461C>T on transcript NM_007137.5 (MANE Select); coding-DNA position 461, C replaced by T.
Protein change: p.Thr154Ile; replaces threonine 154 with isoleucine.
Molecular consequence: missense variant. On other transcripts: intron variant (2).
Genome position (GRCh38, 1-based): chrX:47,915,107, C>T. VCF-style: chrX-47915107-C-T. GRCh37 (hg19) VCF-style: chrX-47774506-C-T.
Other names: c.461C>T, p.Thr154Ile (NM_001378152.1, NM_001378153.1); c.278-8817C>T (NM_001378154.1); c.278-6201C>T (NM_001378155.1); short protein forms T154I.
Identifiers: ClinVar variation 2660437 (VCV002660437.24), dbSNP rs2519841170, ClinGen allele CA413059639.

ClinVar aggregate classification (germline): Uncertain significance (1 of 4 stars; one submission).

Submission:

CeGaT Center for Human Genetics Tuebingen
Classification: Uncertain significance. Last evaluated: 2023-01-01. Review status: criteria provided, single submitter. Criteria: CeGaT Center For Human Genetics Tuebingen Variant Classification Criteria Version 2. Collection method: clinical testing. Allele origin: germline. Affected: yes. Observed: 1 variant allele.
Comment: ZNF81: PM2, BP4